The following is an entry in ClinVar:

ClinVar aggregate classification (germline): Uncertain significance (1 of 4 stars; one submission).

Conditions:
Pitt-Hopkins-like syndrome 2 (PTHSL2). Identifiers: Orphanet 221150, Orphanet 600663, MedGen C3280479, MONDO:0013690, OMIM 614325.

Allele frequency attached by ClinVar (database versions not stated): gnomAD exomes 0.00001; ExAC 0.00002.
gnomAD v4.1: 8 of 1,613,304 alleles (0.0005%); highest among the groups gnomAD compares: Non-Finnish European, 0.00042%; no homozygotes.

Submission:

Labcorp Genetics (formerly Invitae), Labcorp
Classification: Uncertain significance for Pitt-Hopkins-like syndrome 2. Last evaluated: 2025-12-27. Review status: criteria provided, single submitter. Criteria: Invitae Variant Classification Sherloc (09022015). Collection method: clinical testing. Allele origin: germline.
Comment: This sequence change replaces arginine, which is basic and polar, with glutamine, which is neutral and polar, at codon 1207 of the NRXN1 protein (p.Arg1207Gln). This variant is present in population databases (rs753212939, gnomAD 0.01%). This missense change has been observed in individual(s) with clinical features of NRXN1-related conditions (PMID: 33004838). ClinVar contains an entry for this variant (Variation ID: 1420828). Invitae Evidence Modeling of protein sequence and biophysical properties (such as structural, functional, and spatial information, amino acid conservation, physicochemical variation, residue mobility, and thermodynamic stability) indicates that this missense variant is not expected to disrupt NRXN1 protein function with a negative predictive value of 80%. In summary, the available evidence is currently insufficient to determine the role of this variant in disease. Therefore, it has been classified as a Variant of Uncertain Significance.

Literature cited by the submitters: PubMed 33004838.

NM_001330078.2(NRXN1):c.3500G>A (p.Arg1167Gln)

Gene: NRXN1 (neurexin 1; minus strand). Cytogenetic location: 2p16.3.
Variant type: single nucleotide variant.
Coding change: c.3500G>A on transcript NM_001330078.2 (MANE Select); coding-DNA position 3500, G replaced by A.
Protein change: p.Arg1167Gln; replaces arginine 1167 with glutamine.
Molecular consequence: missense variant.
Genome position (GRCh38, 1-based): chr2:50,236,835, C>T on the plus strand (G>A on the coding strand, the complement: NRXN1 is on the minus strand). VCF-style: chr2-50236835-C-T. GRCh37 (hg19) VCF-style: chr2-50463973-C-T.
Other names: c.395G>A, p.Arg132Gln (NM_001330091.2, NM_001330092.2, NM_001330097.2 and 1 more transcripts); c.3497G>A, p.Arg1166Gln (NM_001330093.2); c.3488G>A, p.Arg1163Gln (NM_001330094.2); c.3449G>A, p.Arg1150Gln (NM_001330095.2); c.3389G>A, p.Arg1130Gln (NM_001330096.2, NM_001330087.2); c.3500G>A, p.Arg1167Gln (NM_004801.6, NM_001330086.2); c.3620G>A, p.Arg1207Gln (NM_001135659.3); c.3476G>A, p.Arg1159Gln (NM_001330077.2, NM_001330082.2); and 3 more; short protein forms R1130Q, R1140Q, R1150Q, R1207Q, R1159Q, R1167Q, R1158Q, R1166Q.
Identifiers: ClinVar variation 1420828 (VCV001420828.6), dbSNP rs753212939, ClinGen allele CA1654449.